The following is an entry in ClinVar:

NM_013275.6(ANKRD11):c.1974_1977dup (p.Glu660fs)

Gene: ANKRD11 (ankyrin repeat domain 11; minus strand). Cytogenetic location: 16q24.3.
Variant type: Microsatellite.
Coding change: c.1974_1977dup on transcript NM_013275.6 (MANE Select); coding-DNA positions 1974 to 1977, 4 bases duplicated (TTAC; older notation c.1974_1977dupTTAC).
Protein change: p.Glu660fs; shifts the reading frame from glutamic acid 660.
Molecular consequence: frameshift variant.
Genome position (GRCh38, 1-based): chr16:89,284,565-89,284,568, GTAA duplicated on the plus strand (TTAC on the coding strand, the reverse complement: ANKRD11 is on the minus strand); duplicating any 4 consecutive bases within chr16:89,284,565-89,284,572 gives the same sequence; the c. name uses the placement nearest the transcript's 3' end. VCF-style (leftmost placement, unchanged base first): chr16-89284564-C-CGTAA. GRCh37 (hg19) VCF-style: chr16-89350972-C-CGTAA.
Other names: c.1974_1977dup, p.Glu660fs (NM_001256182.2, NM_001256183.2); short protein forms E660fs.
Identifiers: ClinVar variation 2584454 (VCV002584454.1), dbSNP rs2544242948, ClinGen allele CA2582342605.

ClinVar aggregate classification (germline): Likely pathogenic (1 of 4 stars; one submission).

Conditions:
KBG syndrome (KBGS). Also called: ANKRD11-Related KBG Syndrome. Identifiers: Orphanet 2332, MedGen C0220687, MONDO:0007846, OMIM 148050.

Submission:

Rady Children's Institute for Genomic Medicine, Rady Children's Hospital San Diego
Classification: Likely pathogenic for KBG SYNDROME. Review status: criteria provided, single submitter. Criteria: ACMG Guidelines, 2015. Collection method: clinical testing. Allele origin: germline. Affected: yes.
Comment: This frameshifting variant in exon 9 of 13 introduces a premature stop codon and is therefore predicted to result in loss of normal protein function through either protein truncation or nonsense-mediated mRNA decay (NMD). This variant has not been previously reported or functionally characterized in the literature to our knowledge. It is absent from the gnomAD population database and thus is presumed to be rare. Based on the available evidence, the c.1974_1977dup (p.Glu660LeufsTer4) variant is classified as Likely Pathogenic.